The following is an entry in ClinVar:

ClinVar aggregate classification (germline): Uncertain significance (1 of 4 stars; one submission).

Conditions:
Cerebral creatine deficiency syndrome. Also called: Creatine deficiency syndromes. Identifiers: Orphanet 79172, MedGen C5244016, MONDO:0000456.

Submission:

Labcorp Genetics (formerly Invitae), Labcorp
Classification: Uncertain significance for Cerebral creatine deficiency syndrome. Last evaluated: 2023-08-17. Review status: criteria provided, single submitter. Criteria: Invitae Variant Classification Sherloc (09022015). Collection method: clinical testing. Allele origin: germline.
Comment: In summary, the available evidence is currently insufficient to determine the role of this variant in disease. Therefore, it has been classified as a Variant of Uncertain Significance. Advanced modeling of protein sequence and biophysical properties (such as structural, functional, and spatial information, amino acid conservation, physicochemical variation, residue mobility, and thermodynamic stability) performed at Invitae indicates that this missense variant is not expected to disrupt GAMT protein function. ClinVar contains an entry for this variant (Variation ID: 2097117). This variant has not been reported in the literature in individuals affected with GAMT-related conditions. This variant is not present in population databases (gnomAD no frequency). This sequence change replaces alanine, which is neutral and non-polar, with serine, which is neutral and polar, at codon 52 of the GAMT protein (p.Ala52Ser).

NM_000156.6(GAMT):c.154G>T (p.Ala52Ser)

Genes: GAMT (guanidinoacetate N-methyltransferase; minus strand), LOC130062945 (ATAC-STARR-seq lymphoblastoid silent region 9707; plus strand). Cytogenetic location: 19p13.3.
Variant type: single nucleotide variant.
Coding change: c.154G>T on transcript NM_000156.6 (MANE Select); coding-DNA position 154, G replaced by T.
Protein change: p.Ala52Ser; replaces alanine 52 with serine.
Molecular consequence: missense variant.
Genome position (GRCh38, 1-based): chr19:1,401,323, C>A on the plus strand (G>T on the coding strand, the complement: GAMT is on the minus strand). VCF-style: chr19-1401323-C-A. GRCh37 (hg19) VCF-style: chr19-1401322-C-A.
Other names: c.154G>T, p.Ala52Ser (NM_138924.3); short protein forms A52S.
Identifiers: ClinVar variation 2097117 (VCV002097117.4), dbSNP rs1010921007, ClinGen allele CA402998048.